The following is an entry in ClinVar:

ClinVar aggregate classification (germline): Likely benign (1 of 4 stars; one submission).

gnomAD v4.1: 629 of 1,046,564 alleles (0.06%); highest among the groups gnomAD compares: African/African-American, 0.2%; 188 homozygotes.

Submission:

CeGaT Center for Human Genetics Tuebingen
Classification: Likely benign. Last evaluated: 2024-09-01. Review status: criteria provided, single submitter. Criteria: CeGaT Center For Human Genetics Tuebingen Variant Classification Criteria Version 2. Collection method: clinical testing. Allele origin: germline. Affected: yes. Observed: 1 variant allele.
Comment: AHNAK2: BP4, BS2

NM_138420.4(AHNAK2):c.4147A>G (p.Thr1383Ala)

Gene: AHNAK2 (AHNAK nucleoprotein 2; minus strand). Cytogenetic location: 14q32.33.
Variant type: single nucleotide variant.
Coding change: c.4147A>G on transcript NM_138420.4 (MANE Select); coding-DNA position 4147, A replaced by G.
Protein change: p.Thr1383Ala; replaces threonine 1383 with alanine.
Molecular consequence: missense variant.
Genome position (GRCh38, 1-based): chr14:104,951,304, T>C on the plus strand (A>G on the coding strand, the complement: AHNAK2 is on the minus strand). VCF-style: chr14-104951304-T-C. GRCh37 (hg19) VCF-style: chr14-105417641-T-C.
Other names: c.3847A>G, p.Thr1283Ala (NM_001350929.2); short protein forms T1283A, T1383A.
Identifiers: ClinVar variation 3388137 (VCV003388137.14).
Genomic context (GRCh38, chr14:104,951,304, plus strand): 5'-CGGGCACGGGGCCCTCTGGGAGTTTCACGTCCAATTGGCCAGCCTGGAGCTCCAGGTCAG[T>C]GGAAGGGGGCTGAATGCTGAGGTCAGTGGTCTTGAGGTCCCCCTGCATGGAGGGGAGGCT-3'
Protein context (NP_612429.2, residues 1373-1393): TTDLSIQPPS[Thr1383Ala]DLELQAGQLD